The following is an entry in ClinVar:

NM_003079.5(SMARCE1):c.695A>G (p.Gln232Arg)

Gene: SMARCE1 (SWI/SNF related BAF chromatin remodeling complex subunit E1; minus strand). Cytogenetic location: 17q21.2.
Variant type: single nucleotide variant.
Coding change: c.695A>G on transcript NM_003079.5 (MANE Select); coding-DNA position 695, A replaced by G.
Protein change: p.Gln232Arg; replaces glutamine 232 with arginine.
Molecular consequence: missense variant.
Genome position (GRCh38, 1-based): chr17:40,632,214, T>C on the plus strand (A>G on the coding strand, the complement: SMARCE1 is on the minus strand). VCF-style: chr17-40632214-T-C. GRCh37 (hg19) VCF-style: chr17-38788466-T-C.
Other names: short protein forms Q232R.
Identifiers: ClinVar variation 1756308 (VCV001756308.2), dbSNP rs2508598303, ClinGen allele CA399364576.

ClinVar aggregate classification (germline): Uncertain significance (1 of 4 stars; one submission).

Conditions:
Hereditary cancer-predisposing syndrome. Also called: Neoplastic Syndromes, Hereditary; Tumor predisposition; Hereditary Cancer Syndrome; Hereditary neoplastic syndrome. Identifiers: Orphanet 140162, MedGen C0027672, MeSH D009386, MONDO:0015356.

Submission:

Ambry Genetics
Classification: Uncertain significance for Hereditary cancer-predisposing syndrome. Last evaluated: 2021-06-09. Review status: criteria provided, single submitter. Criteria: Ambry Variant Classification Scheme 2023. Collection method: clinical testing. Allele origin: germline.
Comment: The p.Q232R variant (also known as c.695A>G), located in coding exon 7 of the SMARCE1 gene, results from an A to G substitution at nucleotide position 695. The glutamine at codon 232 is replaced by arginine, an amino acid with highly similar properties. Missense and in-frame variants in SMARCE1 are known to cause neurodevelopmental disorders; however, such associations with increased risk of meningiomas are exceedingly rare (Kosho T et al. Am J Med Genet C Semin Med Genet. 2014 Sep;166C(3):262-75; Smith JM et al. Nat Genet. 2013 Mar;45(3):295-8). This amino acid position is highly conserved in available vertebrate species. In addition, the in silico prediction for this alteration is inconclusive. Based on the supporting evidence, the association of this alteration with an increased risk of Coffin-Siris syndromeis unknown; however, the association of this alteration with meningiomas is unlikely.